The following is an entry in ClinVar:

NM_001374353.1(GLI2):c.4214G>C (p.Gly1405Ala)

Gene: GLI2 (GLI family zinc finger 2; plus strand). Cytogenetic location: 2q14.2.
Variant type: single nucleotide variant.
Coding change: c.4214G>C on transcript NM_001374353.1 (MANE Select); coding-DNA position 4214, G replaced by C.
Protein change: p.Gly1405Ala; replaces glycine 1405 with alanine.
Molecular consequence: missense variant.
Genome position (GRCh38, 1-based): chr2:120,990,179, G>C. VCF-style: chr2-120990179-G-C. GRCh37 (hg19) VCF-style: chr2-121747755-G-C.
Other names: c.4265G>C, p.Gly1422Ala (NM_001371271.1, NM_005270.5); c.3839G>C, p.Gly1280Ala (NM_001374354.1); short protein forms G1280A, G1405A, G1422A.
Identifiers: ClinVar variation 3749010 (VCV003749010.2).

ClinVar aggregate classification (germline): Uncertain significance (1 of 4 stars; one submission).

Conditions:
Postaxial polydactyly-anterior pituitary anomalies-facial dysmorphism syndrome. Also called: Culler-Jones syndrome. Identifiers: Orphanet 420584, MedGen C4014479, MONDO:0014369, OMIM 615849.
Holoprosencephaly 9 (HPE9). Also called: PITUITARY ANOMALIES WITH HOLOPROSENCEPHALY-LIKE FEATURES; HOLOPROSENCEPHALY WITH MICROPHTHALMIA AND FIRST BRANCHIAL ARCH ANOMALIES. Identifiers: Orphanet 2162, MedGen C1835819, MONDO:0012563, OMIM 610829.

Submission:

Labcorp Genetics (formerly Invitae), Labcorp
Classification: Uncertain significance for Postaxial polydactyly-anterior pituitary anomalies-facial dysmorphism syndrome; Holoprosencephaly 9. Last evaluated: 2025-12-08. Review status: criteria provided, single submitter. Criteria: Invitae Variant Classification Sherloc (09022015). Collection method: clinical testing. Allele origin: germline.
Comment: This sequence change replaces glycine, which is neutral and non-polar, with alanine, which is neutral and non-polar, at codon 1422 of the GLI2 protein (p.Gly1422Ala). This variant is present in population databases (rs746964199, gnomAD 0.003%). This variant has not been reported in the literature in individuals affected with GLI2-related conditions. ClinVar contains an entry for this variant (Variation ID: 3749010). Invitae Evidence Modeling of protein sequence and biophysical properties (such as structural, functional, and spatial information, amino acid conservation, physicochemical variation, residue mobility, and thermodynamic stability) indicates that this missense variant is not expected to disrupt GLI2 protein function with a negative predictive value of 80%. In summary, the available evidence is currently insufficient to determine the role of this variant in disease. Therefore, it has been classified as a Variant of Uncertain Significance.